The following is an entry in ClinVar:

ClinVar aggregate classification (germline): Likely pathogenic (1 of 4 stars; one submission).

Conditions:
Exostoses, multiple, type 1 (EXT1). Also called: Hereditary Multiple Osteochondromatosis, Type I; EXOSTOSES, MULTIPLE, TYPE I. Identifiers: MedGen CN263289, MONDO:0007585, OMIM 133700.

Submission:

Kasturba Medical College, Manipal, Kasturba Medical College, Manipal, Manipal Academy of Higher Education, Manipal, India
Classification: Likely pathogenic for Exostoses, multiple, type 1. Review status: criteria provided, single submitter. Criteria: ACMG Guidelines, 2015. Collection method: clinical testing. Allele origin: unknown. Inheritance: Autosomal dominant inheritance. Affected: yes. Observed: 1 heterozygote.
Comment: In-silico analysis tools (Mutation Taster, SIFT indel) predict this variant to be disease causing. This variant likely leads to shift in the frame and premature termination which may either result in truncated protein or trigger nonsense mediated mRNA decay.

NM_000127.3(EXT1):c.89_90insCT (p.Ser31fs)

Gene: EXT1 (exostosin glycosyltransferase 1; minus strand). Cytogenetic location: 8q24.11.
Variant type: Insertion.
Coding change: c.89_90insCT on transcript NM_000127.3 (MANE Select); coding-DNA positions 89 to 90, CT inserted.
Protein change: p.Ser31fs; shifts the reading frame from serine 31.
Molecular consequence: frameshift variant.
Genome position: GRCh38 VCF-style: chr8-118110957-T-TAG. GRCh37 (hg19) VCF-style: chr8-119123196-T-TAG.
Other names: short protein forms S31fs.
Identifiers: ClinVar variation 3256128 (VCV003256128.2).
Genomic context (GRCh38, chr8:118,110,957, plus strand): 5'-ACTGGGGTGGTGCAAGCCATTCCTACCGCTGTGTTCTTCTCTCCGGCTGTGGCTCCTCGA[T>TAG]GCCCTAAACTGCAAGCCTCCGAAATAAAACAAAAGGGCGAGACAAGAGCCAGCTGAGAGC-3'